The following is an entry in ClinVar:

ClinVar aggregate classification (germline): Likely pathogenic. Review status: criteria provided, multiple submitters, no conflicts (2 of 4 stars). 2 submissions from 2 submitters: Likely pathogenic (2). Last evaluated 2025-10-29.

Conditions:
Congenital myasthenic syndrome (CMS). Also called: Congenital Myasthenic Syndromes. Identifiers: Orphanet 590, MedGen C0751882, MeSH D020294, MONDO:0018940.
Congenital myasthenic syndrome 4A. Also called: Myasthenic syndrome, congenital, 4a, slow-channel; CONGENITAL MYASTHENIC SYNDROME TYPE Ia1; MYASTHENIC SYNDROME, CONGENITAL, 4A, SLOW-CHANNEL, AUTOSOMAL RECESSIVE. Identifiers: Orphanet 590, MedGen C4225413, MONDO:0011600, OMIM 605809.

Submissions (2):

Natera, Inc.
Classification: Likely pathogenic for Congenital myasthenic syndrome. Last evaluated: 2025-10-29. Review status: criteria provided, single submitter. Criteria: Natera Variant Classification Schema (03/2026). Collection method: clinical testing. Allele origin: germline.
Comment: The c.922del variant in CHRNE is a frameshift variant predicted to shift the reading frame beginning at codon 309 and leads to a stop codon 12 codons downstream. This variant is expected to result in nonsense mediated decay, truncation, or a dysfunctional protein product. This variant is rare in the general population with a frequency below the threshold expected for the associated phenotype(s). Given the available evidence, this variant is classified as Likely Pathogenic.

Baylor Genetics
Classification: Likely pathogenic for Congenital myasthenic syndrome 4A. Last evaluated: 2022-12-28. Review status: criteria provided, single submitter. Criteria: ACMG Guidelines, 2015. Collection method: clinical testing. Allele origin: unknown.

NM_000080.4(CHRNE):c.922del (p.Ile309fs)

Genes: C17orf107 (chromosome 17 open reading frame 107; plus strand), CHRNE (cholinergic receptor nicotinic epsilon subunit; minus strand). Cytogenetic location: 17p13.2.
Variant type: Deletion.
Coding change: c.922del on transcript NM_000080.4 (MANE Select); coding-DNA position 922, one base deleted (C; older notation c.922delC).
Protein change: p.Ile309fs; shifts the reading frame from isoleucine 309.
Molecular consequence: frameshift variant. On other transcripts: 5 prime UTR variant (1).
Genome position (GRCh38, 1-based): chr17:4,899,578, G deleted on the plus strand (C on the coding strand, the reverse complement: CHRNE is on the minus strand); the first of 2 consecutive G bases (chr17:4,899,578-4,899,579); deleting either gives the same sequence. VCF-style (leftmost placement, unchanged base first): chr17-4899577-AG-A. GRCh37 (hg19) VCF-style: chr17-4802872-AG-A.
Other names: c.-184del (NM_001145536.2); c.922del (NM_000080.3); short protein forms I309fs.
Identifiers: ClinVar variation 2680804 (VCV002680804.2), dbSNP rs2507544221, ClinGen allele CA2695201222.
Genomic context (GRCh38, chr17:4,899,577, plus strand): 5'-ACGTTGAGCACGATGACGCAATTCATGACAATGAGCGTGGCGACCACCATGACGAAAATA[AG>A]GAACCTGAGGAGCCCGGAAGGCATGACATCACCGTTCCTCCTCCCAGCTACCGAAGGCGC-3'